The following is an entry in ClinVar:

NM_033395.2(CEP295):c.5285C>G (p.Pro1762Arg)

Gene: CEP295 (centrosomal protein 295; plus strand). Cytogenetic location: 11q21.
Variant type: single nucleotide variant.
Coding change: c.5285C>G on transcript NM_033395.2 (MANE Select); coding-DNA position 5285, C replaced by G.
Protein change: p.Pro1762Arg; replaces proline 1762 with arginine.
Molecular consequence: missense variant.
Genome position (GRCh38, 1-based): chr11:93,702,470, C>G. VCF-style: chr11-93702470-C-G. GRCh37 (hg19) VCF-style: chr11-93435636-C-G.
Other names: short protein forms P1762R.
Identifiers: ClinVar variation 4759448 (VCV004759448.1).
Genomic context (GRCh38, chr11:93,702,470, plus strand): 5'-CACATGATCCCCCAACTTGTGCTTCCCCACCCTCATCTCCACTTTTTCAGATAAGTAAGC[C>G]CACAGTTGAAAATGATTTAAAAACCCAGAAGATGGGGCAGCTCAGAGACTGGTTTCCTAA-3'
Protein context (NP_203753.1, residues 1752-1772): DFFKDSQISK[Pro1762Arg]TVENDLKTQK

ClinVar aggregate classification (germline): Likely benign (1 of 4 stars; one submission).

Conditions:
Seckel syndrome 11. Identifiers: MedGen C5935595, MONDO:0958328, OMIM 620767.

Submission:

Centre for Medical Genetics,  Mumbai
Classification: Likely benign for Seckel syndrome 11. Last evaluated: 2026-02-12. Review status: criteria provided, single submitter. Criteria: ACMG Guidelines, 2015. Collection method: provider interpretation. Allele origin: germline. Inheritance: Autosomal recessive inheritance. Affected: no. Observed: 1 homozygote.
Comment: The variant satisfies PM2 criteria; Extremely low frequency in gnomAD population databases. The variant satisfies BP4 criteria; For a missense or a splice region variant, computational prediction tools unanimously support a benign effect on the gene. However, the variant satisfies BS2 criteria.

Literature cited by the submitters: PubMed 38154379.